The following is an entry in ClinVar:

NM_004946.3(DOCK2):c.4681G>A (p.Glu1561Lys)

Gene: DOCK2 (dedicator of cytokinesis 2; plus strand). Cytogenetic location: 5q35.1.
Variant type: single nucleotide variant.
Coding change: c.4681G>A on transcript NM_004946.3 (MANE Select); coding-DNA position 4681, G replaced by A.
Protein change: p.Glu1561Lys; replaces glutamic acid 1561 with lysine.
Molecular consequence: missense variant. On other transcripts: non-coding transcript variant (1).
Genome position (GRCh38, 1-based): chr5:170,069,173, G>A. VCF-style: chr5-170069173-G-A. GRCh37 (hg19) VCF-style: chr5-169496177-G-A.
Other names: short protein forms E1561K.
Identifiers: ClinVar variation 3730680 (VCV003730680.2).

ClinVar aggregate classification (germline): Uncertain significance (1 of 4 stars; one submission).

Conditions:
DOCK2 deficiency. Also called: Immunodeficiency 40. Identifiers: Orphanet 447737, MedGen C4225328, MONDO:0014637, OMIM 616433.

gnomAD v4.1: 6 of 1,614,094 alleles (0.00037%); highest among the groups gnomAD compares: Middle Eastern, 0.016%; no homozygotes.

Submission:

Labcorp Genetics (formerly Invitae), Labcorp
Classification: Uncertain significance for DOCK2 deficiency. Last evaluated: 2025-01-06. Review status: criteria provided, single submitter. Criteria: Invitae Variant Classification Sherloc (09022015). Collection method: clinical testing. Allele origin: germline.
Comment: This sequence change replaces glutamic acid, which is acidic and polar, with lysine, which is basic and polar, at codon 1561 of the DOCK2 protein (p.Glu1561Lys). This variant is present in population databases (no rsID available, gnomAD 0.003%). This variant has not been reported in the literature in individuals affected with DOCK2-related conditions. An algorithm developed to predict the effect of missense changes on protein structure and function (PolyPhen-2) suggests that this variant is likely to be tolerated. In summary, the available evidence is currently insufficient to determine the role of this variant in disease. Therefore, it has been classified as a Variant of Uncertain Significance.